The following is an entry in ClinVar:

ClinVar aggregate classification (germline): Benign. Review status: criteria provided, single submitter (1 of 4 stars). 2 submissions from 1 submitter: Benign (2). Last evaluated 2018-01-13.

Conditions:
Vitreoretinopathy. Also called: Vitreoretinal degeneration. Identifiers: MedGen C0344290, MONDO:0020248, HP:0007773.
Wagner disease. Also called: WAGNER VITREORETINAL DEGENERATION; WAGNER VITREORETINOPATHY; Wagner Vitreoretinal Degeneration (Wagner Synrdome); WAGNER SYNDROME 1; HYALOIDEORETINAL DEGENERATION OF WAGNER; Wagner syndrome. Identifiers: Orphanet 898, MedGen C1840452, MONDO:0007740, OMIM 143200.

Allele frequency attached by ClinVar (database versions not stated): TOPMed 0.00008; gnomAD 0.00010 and 0.00028; 1000 Genomes Project 0.00160; 1000 Genomes Project 30x 0.00172.

Submissions (2):

Illumina Laboratory Services, Illumina
Classification: Benign for Wagner disease. Last evaluated: 2018-01-13. Review status: criteria provided, single submitter. Criteria: ICSL Variant Classification Criteria 13 December 2019. Collection method: clinical testing. Allele origin: germline.
Comment: This variant was observed in the ICSL laboratory as part of a predisposition screen in an ostensibly healthy population. It had not been previously curated by ICSL or reported in the Human Gene Mutation Database (HGMD: prior to June 1st, 2018), and was therefore a candidate for classification through an automated scoring system. Utilizing variant allele frequency, disease prevalence and penetrance estimates, and inheritance mode, an automated score was calculated to assess if this variant is too frequent to cause the disease. Based on the score and internal cut-off values, a variant classified as benign is not then subjected to further curation. The score for this variant resulted in a classification of benign for this disease.

Illumina Laboratory Services, Illumina
Classification: Benign for Vitreoretinopathy. Last evaluated: 2018-01-13. Review status: criteria provided, single submitter. Criteria: ICSL Variant Classification Criteria 13 December 2019. Collection method: clinical testing. Allele origin: germline.
Comment: the same text as in the submission from Illumina Laboratory Services, Illumina above.

NM_004385.5(VCAN):c.*1081C>T

Gene: VCAN (versican; plus strand). Cytogenetic location: 5q14.3.
Variant type: single nucleotide variant.
Coding change: c.*1081C>T on transcript NM_004385.5 (MANE Select); 1081 bases downstream of the stop codon, C replaced by T.
Molecular consequence: 3 prime UTR variant.
Genome position (GRCh38, 1-based): chr5:83,581,515, C>T. VCF-style: chr5-83581515-C-T. GRCh37 (hg19) VCF-style: chr5-82877334-C-T.
Other names: c.*1081C>T (NM_001126336.3, NM_001164097.2, NM_001164098.2).
Identifiers: ClinVar variation 906823 (VCV000906823.4), dbSNP rs78087172, ClinGen allele CA121804677.